The following is an entry in ClinVar:

ClinVar aggregate classification (germline): Uncertain significance. Review status: criteria provided, multiple submitters, no conflicts (2 of 4 stars). 4 submissions from 3 submitters: Uncertain significance (4). Last evaluated 2024-04-23.

Conditions:
Inborn genetic diseases. Identifiers: MedGen C0950123, MeSH D030342.
Microcephaly 6, primary, autosomal recessive. Identifiers: Orphanet 2512, MedGen C1842109, MONDO:0012029, OMIM 608393.
Seckel syndrome 4 (SCKL4). Identifiers: Orphanet 808, MedGen C3888212, MONDO:0013358, OMIM 613676.

Allele frequency attached by ClinVar (database versions not stated): ExAC 0.00003; gnomAD exomes 0.00006 and 0.00012; TOPMed 0.00012; gnomAD 0.00013 and 0.00014; ESP Exome Variant Server 0.00023.
gnomAD v4.1: 191 of 1,613,676 alleles (0.012%); highest among the groups gnomAD compares: Non-Finnish European, 0.015%; no homozygotes.

Submissions (4):

Ambry Genetics
Classification: Uncertain significance for Inborn genetic diseases. Last evaluated: 2024-04-23. Review status: criteria provided, single submitter. Criteria: Ambry Variant Classification Scheme 2023. Collection method: clinical testing. Allele origin: germline.

GeneDx
Classification: Uncertain significance. Last evaluated: 2022-12-02. Review status: criteria provided, single submitter. Criteria: GeneDx Variant Classification Process June 2021. Collection method: clinical testing. Allele origin: germline. Affected: yes.
Comment: Not observed at significant frequency in large population cohorts (gnomAD); In silico analysis supports that this missense variant does not alter protein structure/function; Has not been previously published as pathogenic or benign to our knowledge

Illumina Laboratory Services, Illumina
Classification: Uncertain significance for Microcephaly 6, primary, autosomal recessive. Last evaluated: 2018-01-13. Review status: criteria provided, single submitter. Criteria: ICSL Variant Classification Criteria 13 December 2019. Collection method: clinical testing. Allele origin: germline.

Illumina Laboratory Services, Illumina
Classification: Uncertain significance for Seckel syndrome 4. Last evaluated: 2018-01-13. Review status: criteria provided, single submitter. Criteria: ICSL Variant Classification Criteria 13 December 2019. Collection method: clinical testing. Allele origin: germline.

NM_018451.5(CPAP):c.1603C>T (p.Arg535Trp)

Gene: CPAP (centrosome assembly and centriole elongation protein; minus strand). Cytogenetic location: 13q12.13.
Variant type: single nucleotide variant.
Coding change: c.1603C>T on transcript NM_018451.5 (MANE Select); coding-DNA position 1603, C replaced by T.
Protein change: p.Arg535Trp; replaces arginine 535 with tryptophan.
Molecular consequence: missense variant. On other transcripts: non-coding transcript variant (2).
Genome position (GRCh38, 1-based): chr13:24,906,435, G>A on the plus strand (C>T on the coding strand, the complement: CPAP is on the minus strand). VCF-style: chr13-24906435-G-A. GRCh37 (hg19) VCF-style: chr13-25480573-G-A.
Other names: short protein forms R535W.
Identifiers: ClinVar variation 881307 (VCV000881307.6), dbSNP rs150608591, ClinGen allele CA6919726.